The following is an entry in ClinVar:

NM_003072.5(SMARCA4):c.355+1G>A

Gene: SMARCA4 (SWI/SNF related BAF chromatin remodeling complex subunit ATPase 4; plus strand). Cytogenetic location: 19p13.2.
Variant type: single nucleotide variant.
Coding change: c.355+1G>A on transcript NM_003072.5 (MANE Select); the canonical splice donor site of the intron after coding-DNA position 355, G replaced by A.
Molecular consequence: splice donor variant.
Genome position (GRCh38, 1-based): chr19:10,985,406, G>A. VCF-style: chr19-10985406-G-A. GRCh37 (hg19) VCF-style: chr19-11096082-G-A.
Other names: c.355+1G>A (NM_001128844.3, NM_001128849.3, NM_001128847.4 and 6 more transcripts).
Identifiers: ClinVar variation 1732590 (VCV001732590.2), dbSNP rs2145753179, ClinGen allele CA404055428.

ClinVar aggregate classification (germline): Likely pathogenic (1 of 4 stars; one submission).

Conditions:
Hereditary cancer-predisposing syndrome. Also called: Neoplastic Syndromes, Hereditary; Tumor predisposition; Hereditary Cancer Syndrome; Hereditary neoplastic syndrome. Identifiers: Orphanet 140162, MedGen C0027672, MeSH D009386, MONDO:0015356.

Submission:

Ambry Genetics
Classification: Likely pathogenic for Hereditary cancer-predisposing syndrome. Last evaluated: 2021-04-07. Review status: criteria provided, single submitter. Criteria: Ambry Variant Classification Scheme 2023. Collection method: clinical testing. Allele origin: germline.
Comment: The c.355+1G>A intronic variant results from a G to A substitution one nucleotide after coding exon 2 of the SMARCA4 gene. This variant was not reported in population-based cohorts in the Genome Aggregation Database (gnomAD). This nucleotide position is highly conserved in available vertebrate species. In silico splice site analysis predicts that this alteration will weaken the native splice donor site. Loss-of-function variants in SMARCA4 are known to cause rhabdoid tumor predisposition syndrome including small cell carcinoma of the ovary-hypercalcemic type (SCCOHT); however, such associations with neurodevelopmental disorders are exceedingly rare (Kosho T et al. Am J Med Genet C Semin Med Genet. 2014 Sep;166C(3):262-75; Jelinic P et al. Nat Genet. 2014 May;46(5):424-6). Based on the supporting evidence, this alteration is likely pathogenic for rhabdoid tumor predisposition syndrome; however, the association of this alteration with Coffin-Siris syndrome is unlikely.